The following is an entry in ClinVar:

NM_002246.3(KCNK3):c.*13G>A

Gene: KCNK3 (potassium two pore domain channel subfamily K member 3; plus strand). Cytogenetic location: 2p23.3.
Variant type: single nucleotide variant.
Coding change: c.*13G>A on transcript NM_002246.3 (MANE Select); 13 bases downstream of the stop codon, G replaced by A.
Molecular consequence: 3 prime UTR variant.
Genome position (GRCh38, 1-based): chr2:26,728,581, G>A. VCF-style: chr2-26728581-G-A. GRCh37 (hg19) VCF-style: chr2-26951449-G-A.
Identifiers: ClinVar variation 402999 (VCV000402999.10), dbSNP rs1663002, ClinGen allele CA1565621.

ClinVar aggregate classification (germline): Benign. Review status: criteria provided, multiple submitters, no conflicts (2 of 4 stars). 5 submissions from 5 submitters: Benign (5). Last evaluated 2024-11-26.

Conditions:
Pulmonary hypertension, primary, 4. Identifiers: Orphanet 422, MedGen C3809198, MONDO:0014136, OMIM 615344.

Allele frequency attached by ClinVar (database versions not stated): 1000 Genomes Project 30x 0.95924; 1000 Genomes Project 0.96266; TOPMed 0.96469; gnomAD 0.96678 and 0.96886; ESP Exome Variant Server 0.97027; ExAC 0.98929; gnomAD exomes 0.99305 and 0.99738.
gnomAD v4.1: 1,412,995 of 1,421,272 alleles (99%); highest among the groups gnomAD compares: East Asian, 100%; 702,751 homozygotes.

Submissions (5):

Blueprint Genetics
Classification: Benign. Last evaluated: 2024-11-26. Review status: criteria provided, single submitter. Criteria: ACMG Guidelines, 2015. Collection method: clinical testing. Allele origin: germline.

Genome-Nilou Lab
Classification: Benign for Pulmonary hypertension, primary, 4. Last evaluated: 2021-08-19. Review status: criteria provided, single submitter. Criteria: ACMG Guidelines, 2015. Collection method: clinical testing. Allele origin: germline. Affected: no.

GeneDx
Classification: Benign. Last evaluated: 2019-04-01. Review status: criteria provided, single submitter. Criteria: GeneDx Variant Classification Process June 2021. Collection method: clinical testing. Allele origin: germline. Affected: yes.

Laboratory for Molecular Medicine, Mass General Brigham Personalized Medicine
Classification: Benign. Last evaluated: 2016-03-28. Review status: criteria provided, single submitter. Criteria: LMM Criteria. Collection method: clinical testing. Allele origin: germline.
Comment: Variant identified in a genome or exome case(s) and assessed due to predicted null impact of the variant or pathogenic assertions in the literature or databases. Disclaimer: This variant has not undergone full assessment. The following are preliminary notes: Frequency

Breakthrough Genomics
Classification: Benign. Review status: criteria provided, single submitter. Criteria: ACMG Guidelines, 2015. Collection method: not provided. Allele origin: germline. Inheritance: Autosomal dominant inheritance. Affected: yes.